The following is an entry in ClinVar:

ClinVar aggregate classification (germline): Conflicting classifications of pathogenicity. Review status: criteria provided, conflicting classifications (1 of 4 stars). 2 submissions from 2 submitters: Uncertain significance (1); Likely benign (1). Last evaluated 2026-05-26.

Conditions:
Inborn genetic diseases. Identifiers: MedGen C0950123, MeSH D030342.
Developmental and epileptic encephalopathy 94 (DEE94). Also called: CHD2-Related Neurodevelopmental Disorders; Epileptic encephalopathy, childhood-onset. Identifiers: Orphanet 1942, Orphanet 2382, MedGen C3809278, MONDO:0014150, OMIM 615369.

Allele frequency attached by ClinVar (database versions not stated): ESP Exome Variant Server 0.00008; gnomAD 0.00011 and 0.00008; ExAC 0.00002; TOPMed 0.00013; gnomAD exomes 0.00001.
gnomAD v4.1: 29 of 1,613,546 alleles (0.0018%); highest among the groups gnomAD compares: African/African-American, 0.028%; no homozygotes.

Submissions (2):

Ambry Genetics
Classification: Likely benign for Inborn genetic diseases. Last evaluated: 2026-05-26. Review status: criteria provided, single submitter. Criteria: Ambry Variant Classification Scheme 2023. Collection method: clinical testing. Allele origin: germline.

Labcorp Genetics (formerly Invitae), Labcorp
Classification: Uncertain significance for Developmental and epileptic encephalopathy 94. Last evaluated: 2025-10-24. Review status: criteria provided, single submitter. Criteria: Invitae Variant Classification Sherloc (09022015). Collection method: clinical testing. Allele origin: germline.
Comment: This sequence change replaces isoleucine, which is neutral and non-polar, with valine, which is neutral and non-polar, at codon 433 of the CHD2 protein (p.Ile433Val). This variant is present in population databases (rs368327967, gnomAD 0.02%). This variant has not been reported in the literature in individuals affected with CHD2-related conditions. ClinVar contains an entry for this variant (Variation ID: 966871). Invitae Evidence Modeling of protein sequence and biophysical properties (such as structural, functional, and spatial information, amino acid conservation, physicochemical variation, residue mobility, and thermodynamic stability) indicates that this missense variant is not expected to disrupt CHD2 protein function with a negative predictive value of 95%. In summary, the available evidence is currently insufficient to determine the role of this variant in disease. Therefore, it has been classified as a Variant of Uncertain Significance.

NM_001271.4(CHD2):c.1297A>G (p.Ile433Val)

Gene: CHD2 (chromodomain helicase DNA binding protein 2; plus strand). Cytogenetic location: 15q26.1.
Variant type: single nucleotide variant.
Coding change: c.1297A>G on transcript NM_001271.4 (MANE Select); coding-DNA position 1297, A replaced by G.
Protein change: p.Ile433Val; replaces isoleucine 433 with valine.
Molecular consequence: missense variant.
Genome position (GRCh38, 1-based): chr15:92,946,136, A>G. VCF-style: chr15-92946136-A-G. GRCh37 (hg19) VCF-style: chr15-93489366-A-G.
Other names: c.1297A>G, p.Ile433Val (NM_001042572.3); short protein forms I433V.
Identifiers: ClinVar variation 966871 (VCV000966871.11), dbSNP rs368327967, ClinGen allele CA7747770.